The following is an entry in ClinVar:

NM_018026.4(PACS1):c.2228A>C (p.Gln743Pro)

Gene: PACS1 (phosphofurin acidic cluster sorting protein 1; plus strand). Cytogenetic location: 11q13.2.
Variant type: single nucleotide variant.
Coding change: c.2228A>C on transcript NM_018026.4 (MANE Select); coding-DNA position 2228, A replaced by C.
Protein change: p.Gln743Pro; replaces glutamine 743 with proline.
Molecular consequence: missense variant.
Genome position (GRCh38, 1-based): chr11:66,235,918, A>C. VCF-style: chr11-66235918-A-C. GRCh37 (hg19) VCF-style: chr11-66003389-A-C.
Other names: short protein forms Q743P.
Identifiers: ClinVar variation 2762144 (VCV002762144.3), dbSNP rs2495593187, ClinGen allele CA381377146.

ClinVar aggregate classification (germline): Uncertain significance (1 of 4 stars; one submission).

Conditions:
Schuurs-Hoeijmakers syndrome. Also called: PACS1-Related Neurodevelopmental Disorder. Identifiers: Orphanet 329224, MedGen C3554343, MONDO:0014006, OMIM 615009.

Submission:

Labcorp Genetics (formerly Invitae), Labcorp
Classification: Uncertain significance for Schuurs-Hoeijmakers syndrome. Last evaluated: 2023-10-17. Review status: criteria provided, single submitter. Criteria: Invitae Variant Classification Sherloc (09022015). Collection method: clinical testing. Allele origin: germline.
Comment: This sequence change replaces glutamine, which is neutral and polar, with proline, which is neutral and non-polar, at codon 743 of the PACS1 protein (p.Gln743Pro). This variant is not present in population databases (gnomAD no frequency). This missense change has been observed in individual(s) with clinical features of PACS1-related conditions (Invitae). Advanced modeling of protein sequence and biophysical properties (such as structural, functional, and spatial information, amino acid conservation, physicochemical variation, residue mobility, and thermodynamic stability) performed at Invitae indicates that this missense variant is expected to disrupt PACS1 protein function. In summary, the available evidence is currently insufficient to determine the role of this variant in disease. Therefore, it has been classified as a Variant of Uncertain Significance.